The following is an entry in ClinVar:

ClinVar aggregate classification (germline): Uncertain significance (1 of 4 stars; one submission).

Conditions:
Cardiomyopathy (CMYO). Also called: Cardiomyopathies. Identifiers: Orphanet 167848, MedGen C0878544, MONDO:0004994, HP:0001638. Inheritance: Various modes of inheritance.

Submission:

Color Diagnostics, LLC DBA Color Health
Classification: Uncertain significance for Cardiomyopathy. Last evaluated: 2024-03-07. Review status: criteria provided, single submitter. Criteria: ACMG Guidelines, 2015. Collection method: clinical testing. Allele origin: germline.
Comment: This missense variant replaces proline with glutamine at codon 2462 of the RYR2 protein. Computational prediction suggests that this variant may have deleterious impact on protein structure and function (internally defined REVEL score threshold >= 0.7, PMID: 27666373). To our knowledge, functional studies have not been reported for this variant. This variant has not been reported in individuals affected with cardiovascular disorders in the literature. This variant has not been identified in the general population by the Genome Aggregation Database (gnomAD). The available evidence is insufficient to determine the role of this variant in disease conclusively. Therefore, this variant is classified as a Variant of Uncertain Significance.

NM_001035.3(RYR2):c.7385C>A (p.Pro2462Gln)

Gene: RYR2 (ryanodine receptor 2; plus strand). Cytogenetic location: 1q43.
Variant type: single nucleotide variant.
Coding change: c.7385C>A on transcript NM_001035.3 (MANE Select); coding-DNA position 7385, C replaced by A.
Protein change: p.Pro2462Gln; replaces proline 2462 with glutamine.
Molecular consequence: missense variant.
Genome position (GRCh38, 1-based): chr1:237,648,486, C>A. VCF-style: chr1-237648486-C-A. GRCh37 (hg19) VCF-style: chr1-237811786-C-A.
Other names: short protein forms P2462Q.
Identifiers: ClinVar variation 1172221 (VCV001172221.3), dbSNP rs794728757, ClinGen allele CA345398125.